The following is an entry in ClinVar:

NM_024596.5(MCPH1):c.23-3C>G

Gene: MCPH1 (microcephalin 1; plus strand). Cytogenetic location: 8p23.1.
Variant type: single nucleotide variant.
Coding change: c.23-3C>G on transcript NM_024596.5 (MANE Select); 3 bases into the intron before coding-DNA position 23, C replaced by G.
Molecular consequence: intron variant.
Genome position (GRCh38, 1-based): chr8:6,409,276, C>G. VCF-style: chr8-6409276-C-G. GRCh37 (hg19) VCF-style: chr8-6266797-C-G.
Other names: c.23-3C>G (NM_001322042.2, NM_001363980.2, NM_001363979.1 and 4 more transcripts); c.23-9C>G (NM_001322043.2); c.-80-3C>G (NM_001322045.2).
Identifiers: ClinVar variation 3871370 (VCV003871370.1).

ClinVar aggregate classification (germline): Uncertain significance (1 of 4 stars; one submission).

Conditions:
Inborn genetic diseases. Identifiers: MedGen C0950123, MeSH D030342.

gnomAD v4.1: 9 of 1,608,836 alleles (0.00056%); highest among the groups gnomAD compares: African/African-American, 0.0094%; no homozygotes.

Submission:

Ambry Genetics
Classification: Uncertain significance for Inborn genetic diseases. Last evaluated: 2025-02-21. Review status: criteria provided, single submitter. Criteria: Ambry Variant Classification Scheme 2023. Collection method: clinical testing. Allele origin: germline.
Comment: The c.23-3C>G intronic alteration results from a C to G substitution 3 nucleotides before coding exon two of the MCPH1 gene. Based on data from gnomAD, the G allele has an overall frequency of 0.001% (2/249532) total alleles studied. The highest observed frequency was 0.007% (1/15484) of African alleles. This nucleotide position is well conserved in available vertebrate species. In silico splice site analysis predicts that this alteration may weaken the native splice acceptor site and will result in the creation or strengthening of a novel splice acceptor site. Based on insufficient or conflicting evidence, the clinical significance of this alteration remains unclear.